The following is an entry in ClinVar:

NM_001347886.2(DNAH3):c.669T>C (p.Gly223=)

Gene: DNAH3 (dynein axonemal heavy chain 3; minus strand). Cytogenetic location: 16p12.3.
Variant type: single nucleotide variant.
Coding change: c.669T>C on transcript NM_001347886.2 (MANE Select); coding-DNA position 669, T replaced by C.
Protein change: p.Gly223=; no amino-acid change (glycine 223 retained).
Molecular consequence: synonymous variant.
Genome position (GRCh38, 1-based): chr16:21,136,454, A>G on the plus strand (T>C on the coding strand, the complement: DNAH3 is on the minus strand). VCF-style: chr16-21136454-A-G. GRCh37 (hg19) VCF-style: chr16-21147775-A-G.
Other names: c.669T>C, p.Gly223= (NM_001394581.1); c.756T>C, p.Gly252= (NM_017539.2).
Identifiers: ClinVar variation 2646305 (VCV002646305.24), dbSNP rs761686032, ClinGen allele CA7949016.

ClinVar aggregate classification (germline): Likely benign (1 of 4 stars; one submission).

Allele frequency attached by ClinVar (database versions not stated): TOPMed below 0.00001; ExAC 0.00001; gnomAD exomes 0.00001.
gnomAD v4.1: 9 of 1,613,878 alleles (0.00056%); highest among the groups gnomAD compares: Middle Eastern, 0.016%; no homozygotes.

Submission:

CeGaT Center for Human Genetics Tuebingen
Classification: Likely benign. Last evaluated: 2023-02-01. Review status: criteria provided, single submitter. Criteria: CeGaT Center For Human Genetics Tuebingen Variant Classification Criteria Version 2. Collection method: clinical testing. Allele origin: germline. Affected: yes. Observed: 1 variant allele.
Comment: DNAH3: BP4, BP7